The following is an entry in ClinVar:

ClinVar aggregate classification (germline): Uncertain significance (1 of 4 stars; one submission).

Submission:

GeneDx
Classification: Uncertain significance. Last evaluated: 2019-12-20. Review status: criteria provided, single submitter. Criteria: GeneDx Variant Classification Process June 2021. Collection method: clinical testing. Allele origin: germline. Affected: yes.
Comment: Not observed in large population cohorts (Lek et al., 2016); In silico analysis, which includes protein predictors and evolutionary conservation, supports that this variant does not alter protein structure/function; Has not been previously published as pathogenic or benign to our knowledge

NM_003070.5(SMARCA2):c.497A>G (p.Gln166Arg)

Gene: SMARCA2 (SWI/SNF related, matrix associated, actin dependent regulator of chromatin, subfamily a, member 2; plus strand). Cytogenetic location: 9p24.3.
Variant type: single nucleotide variant.
Coding change: c.497A>G on transcript NM_003070.5 (MANE Select); coding-DNA position 497, A replaced by G.
Protein change: p.Gln166Arg; replaces glutamine 166 with arginine.
Molecular consequence: missense variant.
Genome position (GRCh38, 1-based): chr9:2,039,607, A>G. VCF-style: chr9-2039607-A-G. GRCh37 (hg19) VCF-style: chr9-2039607-A-G.
Other names: c.497A>G, p.Gln166Arg (NM_001289396.2, NM_001289397.2, NM_139045.4); short protein forms Q166R.
Identifiers: ClinVar variation 1311425 (VCV001311425.2), dbSNP rs1042651235, ClinGen allele CA372780034.